The following is an entry in ClinVar:

NM_018847.4(KLHL9):c.412T>C (p.Leu138=)

Gene: KLHL9 (kelch like family member 9; minus strand). Cytogenetic location: 9p21.3.
Variant type: single nucleotide variant.
Coding change: c.412T>C on transcript NM_018847.4 (MANE Select); coding-DNA position 412, T replaced by C.
Protein change: p.Leu138=; no amino-acid change (leucine 138 retained).
Molecular consequence: synonymous variant.
Genome position (GRCh38, 1-based): chr9:21,334,448, A>G on the plus strand (T>C on the coding strand, the complement: KLHL9 is on the minus strand). VCF-style: chr9-21334448-A-G. GRCh37 (hg19) VCF-style: chr9-21334447-A-G.
Identifiers: ClinVar variation 3663746 (VCV003663746.2).

ClinVar aggregate classification (germline): Uncertain significance (1 of 4 stars; one submission).

Submission:

Labcorp Genetics (formerly Invitae), Labcorp
Classification: Uncertain significance. Last evaluated: 2024-08-28. Review status: criteria provided, single submitter. Criteria: Invitae Variant Classification Sherloc (09022015). Collection method: clinical testing. Allele origin: germline.
Comment: This sequence change affects codon 138 of the KLHL9 mRNA. It is a 'silent' change, meaning that it does not change the encoded amino acid sequence of the KLHL9 protein. This variant is not present in population databases (gnomAD no frequency). This variant has not been reported in the literature in individuals affected with KLHL9-related conditions. In summary, the available evidence is currently insufficient to determine the role of this variant in disease. Therefore, it has been classified as a Variant of Uncertain Significance.